The following is an entry in ClinVar:

NM_004744.5(LRAT):c.231C>G (p.Ile77Met)

Gene: LRAT (lecithin retinol acyltransferase; plus strand). Cytogenetic location: 4q32.1.
Variant type: single nucleotide variant.
Coding change: c.231C>G on transcript NM_004744.5 (MANE Select); coding-DNA position 231, C replaced by G.
Protein change: p.Ile77Met; replaces isoleucine 77 with methionine.
Molecular consequence: missense variant.
Genome position (GRCh38, 1-based): chr4:154,744,557, C>G. VCF-style: chr4-154744557-C-G. GRCh37 (hg19) VCF-style: chr4-155665709-C-G.
Other names: c.231C>G, p.Ile77Met (NM_001301645.2); short protein forms I77M.
Identifiers: ClinVar variation 1051547 (VCV001051547.7), dbSNP rs754762928, ClinGen allele CA3115840.

ClinVar aggregate classification (germline): Uncertain significance. Review status: criteria provided, multiple submitters, no conflicts (2 of 4 stars). 2 submissions from 2 submitters: Uncertain significance (2). Last evaluated 2024-06-21.

Allele frequency attached by ClinVar (database versions not stated): ExAC 0.00001; gnomAD exomes 0.00001; gnomAD 0.00002; TOPMed 0.00002.
gnomAD v4.1: 22 of 1,614,070 alleles (0.0014%); highest among the groups gnomAD compares: Non-Finnish European, 0.0019%; no homozygotes.

Submissions (2):

Blueprint Genetics
Classification: Uncertain significance. Last evaluated: 2024-06-21. Review status: criteria provided, single submitter. Criteria: ACMG Guidelines, 2015. Collection method: clinical testing. Allele origin: germline.

Labcorp Genetics (formerly Invitae), Labcorp
Classification: Uncertain significance. Last evaluated: 2022-06-20. Review status: criteria provided, single submitter. Criteria: Invitae Variant Classification Sherloc (09022015). Collection method: clinical testing. Allele origin: germline.
Comment: This sequence change replaces isoleucine, which is neutral and non-polar, with methionine, which is neutral and non-polar, at codon 77 of the LRAT protein (p.Ile77Met). This variant is present in population databases (rs754762928, gnomAD 0.0009%). This variant has not been reported in the literature in individuals affected with LRAT-related conditions. ClinVar contains an entry for this variant (Variation ID: 1051547). Algorithms developed to predict the effect of missense changes on protein structure and function are either unavailable or do not agree on the potential impact of this missense change (SIFT: "Deleterious"; PolyPhen-2: "Probably Damaging"; Align-GVGD: "Class C0"). In summary, the available evidence is currently insufficient to determine the role of this variant in disease. Therefore, it has been classified as a Variant of Uncertain Significance.